The following is an entry in ClinVar:

NM_000797.4(DRD4):c.470G>A (p.Gly157Asp)

Gene: DRD4 (dopamine receptor D4; plus strand). Cytogenetic location: 11p15.5.
Variant type: single nucleotide variant.
Coding change: c.470G>A on transcript NM_000797.4 (MANE Select); coding-DNA position 470, G replaced by A.
Protein change: p.Gly157Asp; replaces glycine 157 with aspartic acid.
Molecular consequence: missense variant.
Genome position (GRCh38, 1-based): chr11:639,719, G>A. VCF-style: chr11-639719-G-A. GRCh37 (hg19) VCF-style: chr11-639719-G-A.
Other names: short protein forms G157D.
Identifiers: ClinVar variation 2457234 (VCV002457234.5), dbSNP rs530519660, ClinGen allele CA5785715.

ClinVar aggregate classification (germline): Uncertain significance. Review status: criteria provided, single submitter (1 of 4 stars). 2 submissions from 2 submitters: Uncertain significance (1). 1 of the submissions does not count toward it. Last evaluated 2025-08-03.

Conditions:
DRD4-related disorder. Also called: DRD4-related condition.

Allele frequency attached by ClinVar (database versions not stated): 1000 Genomes Project 0.00020; 1000 Genomes Project 30x 0.00031; gnomAD 0.00042; gnomAD exomes 0.00043; TOPMed 0.00056; ExAC 0.00081.

Submissions (2):

Ambry Genetics
Classification: Uncertain significance. Last evaluated: 2025-08-03. Review status: criteria provided, single submitter. Criteria: Ambry Variant Classification Scheme 2023. Collection method: clinical testing. Allele origin: germline.

PreventionGenetics, part of Exact Sciences
Classification: Likely benign for DRD4-related condition. Last evaluated: 2024-02-25. Review status: no assertion criteria provided. Collection method: clinical testing. Allele origin: germline. Not counted in ClinVar's aggregate classification.
Comment: This variant is classified as likely benign based on ACMG/AMP sequence variant interpretation guidelines (Richards et al. 2015 PMID: 25741868, with internal and published modifications).